The following is an entry in ClinVar:

NM_007294.4(BRCA1):c.2429A>G (p.Asn810Ser)

Gene: BRCA1 (BRCA1 DNA repair associated; minus strand). Cytogenetic location: 17q21.31.
Variant type: single nucleotide variant.
Coding change: c.2429A>G on transcript NM_007294.4 (MANE Select); coding-DNA position 2429, A replaced by G.
Protein change: p.Asn810Ser; replaces asparagine 810 with serine.
Molecular consequence: missense variant. On other transcripts: intron variant (137).
Genome position (GRCh38, 1-based): chr17:43,093,102, T>C on the plus strand (A>G on the coding strand, the complement: BRCA1 is on the minus strand). VCF-style: chr17-43093102-T-C. GRCh37 (hg19) VCF-style: chr17-41245119-T-C.
Other names: c.2429A>G, p.Asn810Ser (NM_001407617.1, NM_001407618.1, NM_001407619.1 and 30 more transcripts); c.2093A>G, p.Asn698Ser (NM_001407958.1, NM_001407954.1, NM_001407955.1 and 1 more transcripts); c.2048A>G, p.Asn683Ser (NM_001407959.1, NM_001407960.1, NM_001407963.1); c.2045A>G, p.Asn682Ser (NM_001407962.1); c.1541A>G, p.Asn514Ser (NM_001407966.1, NM_001407967.1); c.1925A>G, p.Asn642Ser (NM_001407965.1); c.2285A>G, p.Asn762Ser (NM_001407964.1, NM_001407740.1, NM_001407741.1 and 20 more transcripts); c.2351A>G, p.Asn784Ser (NM_001407658.1, NM_001407663.1, NM_001407653.1 and 4 more transcripts); and 41 more; short protein forms N683S, N698S, N740S, N743S, N784S, N807S, N810S, N742S.
Identifiers: ClinVar variation 2763194 (VCV002763194.3), dbSNP rs2154377936, ClinGen allele CA10597152.

ClinVar aggregate classification (germline): Uncertain significance (1 of 4 stars; one submission).

Conditions:
Hereditary breast ovarian cancer syndrome. Also called: Hereditary breast and ovarian cancer syndrome; Hereditary breast and/or ovarian cancer syndrome; BRCA1- and BRCA2-Associated Hereditary Breast and Ovarian Cancer; Hereditary breast and ovarian cancer; Breast and ovarian cancer; Hereditary breast and ovarian cancer syndrome (HBOC). Identifiers: Orphanet 145, MedGen C0677776, MeSH D061325, MONDO:0003582. Disease mechanism: loss of function.

Submission:

Labcorp Genetics (formerly Invitae), Labcorp
Classification: Uncertain significance for Hereditary breast ovarian cancer syndrome. Last evaluated: 2023-09-25. Review status: criteria provided, single submitter. Criteria: Invitae Variant Classification Sherloc (09022015). Collection method: clinical testing. Allele origin: germline.
Comment: This sequence change replaces asparagine, which is neutral and polar, with serine, which is neutral and polar, at codon 810 of the BRCA1 protein (p.Asn810Ser). This variant is not present in population databases (gnomAD no frequency). This variant has not been reported in the literature in individuals affected with BRCA1-related conditions. Advanced modeling of protein sequence and biophysical properties (such as structural, functional, and spatial information, amino acid conservation, physicochemical variation, residue mobility, and thermodynamic stability) performed at Invitae indicates that this missense variant is not expected to disrupt BRCA1 protein function. In summary, the available evidence is currently insufficient to determine the role of this variant in disease. Therefore, it has been classified as a Variant of Uncertain Significance.